The following is an entry in ClinVar:

ClinVar aggregate classification (germline): Uncertain significance. Review status: criteria provided, multiple submitters, no conflicts (2 of 4 stars). 3 submissions from 3 submitters: Uncertain significance (3). Last evaluated 2025-10-02.

Conditions:
Factor H deficiency (CFHD). Also called: COMPLEMENT FACTOR H DEFICIENCY; CFH DEFICIENCY. Identifiers: Orphanet 200421, MedGen C0398777, MONDO:0012350, OMIM 609814.
Age related macular degeneration 4. Identifiers: MedGen C1853147, MONDO:0012540, OMIM 610698.
Atypical hemolytic-uremic syndrome. Identifiers: Orphanet 2134, MedGen C2931788, MONDO:0016244.
Basal laminar drusen. Also called: DRUSEN OF BRUCH MEMBRANE; DRUSEN, CUTICULAR; DRUSEN, EARLY ADULT-ONSET, GROUPED. Identifiers: Orphanet 75376, MedGen C0730295, MONDO:0007472, OMIM 126700.

Allele frequency attached by ClinVar (database versions not stated): ExAC 0.00001; gnomAD 0.00001; gnomAD exomes 0.00001; TOPMed 0.00001.
gnomAD v4.1: 8 of 1,613,938 alleles (0.0005%); highest among the groups gnomAD compares: Non-Finnish European, 0.00068%; no homozygotes.

Submissions (3):

Genomenon, Inc
Classification: Uncertain significance for Basal laminar drusen; Age related macular degeneration 4; Atypical hemolytic-uremic syndrome; Factor H deficiency. Last evaluated: 2025-10-02. Review status: criteria provided, single submitter. Criteria: Genomenon Sequence Variant Interpretation Standards - Updated. Collection method: curation. Allele origin: germline. Affected: no.
Comment: CFH p.Asp1220Gly (c.3659A>G) is a missense variant that changes the amino acid at residue 1220 from Aspartic acid to Glycine. This variant has been reported in the published literature (PMID:29686068). It is absent or not present at a significant frequency in gnomAD. In silico models agree that this variant is not damaging. In conclusion, we classify CFH p.Asp1220Gly (c.3659A>G) as a variant of uncertain significance.

Women's Health and Genetics/Laboratory Corporation of America, LabCorp
Classification: Uncertain significance. Last evaluated: 2024-07-10. Review status: criteria provided, single submitter. Criteria: LabCorp Variant Classification Summary - May 2015. Collection method: clinical testing. Allele origin: germline.
Comment: Variant summary: CFH c.3659A>G (p.Asp1220Gly) results in a non-conservative amino acid change located in the Sushi/SCR/CCP domain (IPR000436) of the encoded protein sequence. Three of five in-silico tools predict a benign effect of the variant on protein function. The variant allele was found at a frequency of 1.6e-05 in 251342 control chromosomes. The available data on variant occurrences in the general population are insufficient to allow any conclusion about variant significance. To our knowledge, no occurrence of c.3659A>G in individuals affected with CFH-Related Disorders and no experimental evidence demonstrating its impact on protein function have been reported. ClinVar contains an entry for this variant (Variation ID: 2682692). Based on the evidence outlined above, the variant was classified as uncertain significance.

Mayo Clinic Laboratories, Mayo Clinic
Classification: Uncertain significance. Last evaluated: 2023-01-30. Review status: criteria provided, single submitter. Criteria: ACMG Guidelines, 2015. Collection method: clinical testing. Allele origin: germline. Observed: 2 variant alleles.
Comment: BP4

Literature cited by the submitters: PubMed 29686068 (cited by Genomenon, Inc).

NM_000186.4(CFH):c.3659A>G (p.Asp1220Gly)

Gene: CFH (complement factor H; plus strand). Cytogenetic location: 1q31.3.
Variant type: single nucleotide variant.
Coding change: c.3659A>G on transcript NM_000186.4 (MANE Select); coding-DNA position 3659, A replaced by G.
Protein change: p.Asp1220Gly; replaces aspartic acid 1220 with glycine.
Molecular consequence: missense variant.
Genome position (GRCh38, 1-based): chr1:196,747,276, A>G. VCF-style: chr1-196747276-A-G. GRCh37 (hg19) VCF-style: chr1-196716406-A-G.
Other names: p.Asp1220Gly; short protein forms D1220G.
Identifiers: ClinVar variation 2682692 (VCV002682692.3), dbSNP rs748464244, ClinGen allele CA1306000.